The following is an entry in ClinVar:

ClinVar aggregate classification (germline): Likely pathogenic (1 of 4 stars; one submission).

Conditions:
Common craniosynostosis syndromes.

Submission:

Genetics Laboratory, Great Ormond Street Hospital NHS Foundation Trust, North Thames Genomic Laboratory Hub
Classification: Likely pathogenic for Common craniosynostosis syndromes. Last evaluated: 2026-06-12. Review status: criteria provided, single submitter. Criteria: ACGS Best Practice Guidelines for Variant Classification in Rare Disease 2024 v1.2. Collection method: clinical testing. Allele origin: germline. Affected: yes.
Comment: PS4_supporting, PM2_moderate, PVS1_strong

NC_000007.14:g.19117261C>A

Variant type: single nucleotide variant.
Identifiers: ClinVar variation 4884341 (VCV004884341.1).